The following is an entry in ClinVar:

ClinVar aggregate classification (germline): Uncertain significance. Review status: criteria provided, multiple submitters, no conflicts (2 of 4 stars). 3 submissions from 3 submitters: Uncertain significance (3). Last evaluated 2025-04-25.

Conditions:
Familial adenomatous polyposis 1 (FAP1). Also called: FAMILIAL ADENOMATOUS POLYPOSIS 1, ATTENUATED; POLYPOSIS, ADENOMATOUS INTESTINAL. Identifiers: MedGen C2713442, MONDO:0021056, OMIM 175100. Disease mechanism: loss of function.
Hereditary cancer-predisposing syndrome. Also called: Neoplastic Syndromes, Hereditary; Tumor predisposition; Hereditary Cancer Syndrome; Hereditary neoplastic syndrome. Identifiers: Orphanet 140162, MedGen C0027672, MeSH D009386, MONDO:0015356.
APC-Associated Polyposis Disorders.

Submissions (3):

Ambry Genetics
Classification: Uncertain significance for Hereditary cancer-predisposing syndrome. Last evaluated: 2025-04-25. Review status: criteria provided, single submitter. Criteria: Ambry Variant Classification Scheme 2023. Collection method: clinical testing. Allele origin: germline.
Comment: The p.K1350T variant (also known as c.4049A>C), located in coding exon 15 of the APC gene, results from an A to C substitution at nucleotide position 4049. The lysine at codon 1350 is replaced by threonine, an amino acid with similar properties. This amino acid position is highly conserved in available vertebrate species. In addition, in silico predictors for this gene do not accurately predict pathogenicity. Missense alterations in APC are not a common cause of disease (Spier I et al. Genet Med. 2024 Feb;26(2):100992). Based on the available evidence, the clinical significance of this variant remains unclear.

Labcorp Genetics (formerly Invitae), Labcorp
Classification: Uncertain significance for Familial adenomatous polyposis 1. Last evaluated: 2022-11-04. Review status: criteria provided, single submitter. Criteria: Invitae Variant Classification Sherloc (09022015). Collection method: clinical testing. Allele origin: germline.
Comment: In summary, the available evidence is currently insufficient to determine the role of this variant in disease. Therefore, it has been classified as a Variant of Uncertain Significance. Advanced modeling of protein sequence and biophysical properties (such as structural, functional, and spatial information, amino acid conservation, physicochemical variation, residue mobility, and thermodynamic stability) performed at Invitae indicates that this missense variant is not expected to disrupt APC protein function. ClinVar contains an entry for this variant (Variation ID: 906361). This variant has not been reported in the literature in individuals affected with APC-related conditions. This variant is not present in population databases (gnomAD no frequency). This sequence change replaces lysine, which is basic and polar, with threonine, which is neutral and polar, at codon 1350 of the APC protein (p.Lys1350Thr).

Illumina Laboratory Services, Illumina
Classification: Uncertain significance for APC-Associated Polyposis Disorders. Last evaluated: 2018-01-12. Review status: criteria provided, single submitter. Criteria: ICSL Variant Classification Criteria 13 December 2019. Collection method: clinical testing. Allele origin: germline.

NM_000038.6(APC):c.4049A>C (p.Lys1350Thr)

Gene: APC (APC regulator of Wnt signaling pathway; plus strand). Cytogenetic location: 5q22.2.
Variant type: single nucleotide variant.
Coding change: c.4049A>C on transcript NM_000038.6 (MANE Select); coding-DNA position 4049, A replaced by C.
Protein change: p.Lys1350Thr; replaces lysine 1350 with threonine.
Molecular consequence: missense variant.
Genome position (GRCh38, 1-based): chr5:112,839,643, A>C. VCF-style: chr5-112839643-A-C. GRCh37 (hg19) VCF-style: chr5-112175340-A-C.
Other names: c.4049A>C, p.Lys1350Thr (NM_001127510.3, NM_001354895.2); c.3995A>C, p.Lys1332Thr (NM_001127511.3); c.4103A>C, p.Lys1368Thr (NM_001354896.2); c.4079A>C, p.Lys1360Thr (NM_001354897.2); c.3974A>C, p.Lys1325Thr (NM_001354898.2); c.3965A>C, p.Lys1322Thr (NM_001354899.2); c.3926A>C, p.Lys1309Thr (NM_001354900.2); c.3872A>C, p.Lys1291Thr (NM_001354901.2); and 5 more; short protein forms K1190T, K1249T, K1322T, K1350T, K1360T, K1309T, K1368T, K1224T.
Identifiers: ClinVar variation 906361 (VCV000906361.10), dbSNP rs768397604, ClinGen allele CA16030205.